The following is an entry in ClinVar:

NM_003906.5(MCM3AP):c.4100C>T (p.Pro1367Leu)

Gene: MCM3AP (minichromosome maintenance complex component 3 associated protein; minus strand). Cytogenetic location: 21q22.3.
Variant type: single nucleotide variant.
Coding change: c.4100C>T on transcript NM_003906.5 (MANE Select); coding-DNA position 4100, C replaced by T.
Protein change: p.Pro1367Leu; replaces proline 1367 with leucine.
Molecular consequence: missense variant.
Genome position (GRCh38, 1-based): chr21:46,254,428, G>A on the plus strand (C>T on the coding strand, the complement: MCM3AP is on the minus strand). VCF-style: chr21-46254428-G-A. GRCh37 (hg19) VCF-style: chr21-47674342-G-A.
Other names: short protein forms P1367L.
Identifiers: ClinVar variation 1985050 (VCV001985050.4), dbSNP rs779572519, ClinGen allele CA10076252.

ClinVar aggregate classification (germline): Uncertain significance. Review status: criteria provided, multiple submitters, no conflicts (2 of 4 stars). 2 submissions from 2 submitters: Uncertain significance (2). Last evaluated 2025-01-20.

Conditions:
Inborn genetic diseases. Identifiers: MedGen C0950123, MeSH D030342.

Allele frequency attached by ClinVar (database versions not stated): ExAC 0.00003; gnomAD exomes 0.00004; TOPMed 0.00004.
gnomAD v4.1: 63 of 1,614,108 alleles (0.0039%); highest among the groups gnomAD compares: Admixed American, 0.0083%; no homozygotes.

Submissions (2):

Labcorp Genetics (formerly Invitae), Labcorp
Classification: Uncertain significance. Last evaluated: 2025-01-20. Review status: criteria provided, single submitter. Criteria: Invitae Variant Classification Sherloc (09022015). Collection method: clinical testing. Allele origin: germline.
Comment: This sequence change replaces proline, which is neutral and non-polar, with leucine, which is neutral and non-polar, at codon 1367 of the MCM3AP protein (p.Pro1367Leu). This variant is present in population databases (rs779572519, gnomAD 0.01%). This variant has not been reported in the literature in individuals affected with MCM3AP-related conditions. ClinVar contains an entry for this variant (Variation ID: 1985050). An algorithm developed to predict the effect of missense changes on protein structure and function (PolyPhen-2) suggests that this variant is likely to be disruptive. In summary, the available evidence is currently insufficient to determine the role of this variant in disease. Therefore, it has been classified as a Variant of Uncertain Significance.

Ambry Genetics
Classification: Uncertain significance for Inborn genetic diseases. Last evaluated: 2022-12-01. Review status: criteria provided, single submitter. Criteria: Ambry Variant Classification Scheme 2023. Collection method: clinical testing. Allele origin: germline.